The following is an entry in ClinVar:

NM_001164508.2(NEB):c.5300C>T (p.Pro1767Leu)

Gene: NEB (nebulin; minus strand). Cytogenetic location: 2q23.3.
Variant type: single nucleotide variant.
Coding change: c.5300C>T on transcript NM_001164508.2 (MANE Select); coding-DNA position 5300, C replaced by T.
Protein change: p.Pro1767Leu; replaces proline 1767 with leucine.
Molecular consequence: missense variant.
Genome position (GRCh38, 1-based): chr2:151,664,802, G>A on the plus strand (C>T on the coding strand, the complement: NEB is on the minus strand). VCF-style: chr2-151664802-G-A. GRCh37 (hg19) VCF-style: chr2-152521316-G-A.
Other names: c.5300C>T (NM_004543.4); c.5300C>T, p.Pro1767Leu (NM_001164507.2, NM_001271208.2, NM_004543.5); short protein forms P1767L.
Identifiers: ClinVar variation 594175 (VCV000594175.21), dbSNP rs370000978, ClinGen allele CA1910399.
Genomic context (GRCh38, chr2:151,664,802, plus strand): 5'-GTTGTTAACCTACTTACATCACTCATGGTGATTTGGTTTACTCTGGAGAGTAAAATATCC[G>A]GTGTGTCAGGCATGACATGAATGGTGGTCTTGTCCTTGTTCCATTTTTCAGTGTAGAGCC-3'
Protein context (NP_001157980.2, residues 1757-1777): KTTIHVMPDT[Pro1767Leu]DILLSRVNQI

ClinVar aggregate classification (germline): Conflicting classifications of pathogenicity. Review status: criteria provided, conflicting classifications (1 of 4 stars). 6 submissions from 6 submitters: Uncertain significance (4); Likely benign (1). 1 of the submissions does not count toward it. Last evaluated 2026-01-25.

Conditions:
Nemaline myopathy 2 (NEM2). Also called: Nemaline myopathy 2, autosomal recessive. Identifiers: MedGen C1850569, MONDO:0009725, OMIM 256030.
Inborn genetic diseases. Identifiers: MedGen C0950123, MeSH D030342.

Allele frequency attached by ClinVar (database versions not stated): gnomAD 0.00005 and 0.00006; ExAC 0.00009; TOPMed 0.00009; 1000 Genomes Project 30x 0.00016; ESP Exome Variant Server 0.00017; 1000 Genomes Project 0.00020.
gnomAD v4.1: 171 of 1,612,898 alleles (0.011%); highest among the groups gnomAD compares: Non-Finnish European, 0.014%; no homozygotes.

Submissions (6):

Labcorp Genetics (formerly Invitae), Labcorp
Classification: Likely benign for Nemaline myopathy 2. Last evaluated: 2026-01-25. Review status: criteria provided, single submitter. Criteria: Invitae Variant Classification Sherloc (09022015). Collection method: clinical testing. Allele origin: germline.

Ambry Genetics
Classification: Uncertain significance for Inborn genetic diseases. Last evaluated: 2025-02-22. Review status: criteria provided, single submitter. Criteria: Ambry Variant Classification Scheme 2023. Collection method: clinical testing. Allele origin: germline.

GeneDx
Classification: Uncertain significance. Last evaluated: 2022-05-19. Review status: criteria provided, single submitter. Criteria: GeneDx Variant Classification Process June 2021. Collection method: clinical testing. Allele origin: germline. Affected: yes.
Comment: Not observed at significant frequency in large population cohorts (gnomAD); In silico analysis, which includes protein predictors and evolutionary conservation, supports a deleterious effect; Has not been previously published as pathogenic or benign to our knowledge

Revvity Omics, Revvity
Classification: Uncertain significance. Last evaluated: 2021-09-24. Review status: criteria provided, single submitter. Criteria: ACMG Guidelines, 2015. Collection method: clinical testing. Allele origin: germline.

Eurofins Ntd Llc (ga)
Classification: Uncertain significance. Last evaluated: 2017-09-29. Review status: criteria provided, single submitter. Criteria: EGL Classification Definitions 2015. Collection method: clinical testing. Allele origin: germline. Observed: 1 variant allele, 1 heterozygote.

Natera, Inc.
Classification: Uncertain significance for Nemaline myopathy type 2. Last evaluated: 2019-11-11. Review status: no assertion criteria provided. Collection method: clinical testing. Allele origin: germline. Not counted in ClinVar's aggregate classification.